The following is an entry in ClinVar:

NM_020937.4(FANCM):c.171G>C (p.Leu57Phe)

Gene: FANCM (FA complementation group M; plus strand). Cytogenetic location: 14q21.2.
Variant type: single nucleotide variant.
Coding change: c.171G>C on transcript NM_020937.4 (MANE Select); coding-DNA position 171, G replaced by C.
Protein change: p.Leu57Phe; replaces leucine 57 with phenylalanine.
Molecular consequence: missense variant.
Genome position (GRCh38, 1-based): chr14:45,136,202, G>C. VCF-style: chr14-45136202-G-C. GRCh37 (hg19) VCF-style: chr14-45605405-G-C.
Other names: c.171G>C, p.Leu57Phe (NM_001308133.2, NM_001308134.2); short protein forms L57F.
Identifiers: ClinVar variation 313188 (VCV000313188.53), dbSNP rs142007602, ClinGen allele CA7168711.
Genomic context (GRCh38, chr14:45,136,202, plus strand): 5'-CTCCAAGGCGCCTTTGCCAGCAGCAGCGGAGGCTCAGCTGGAGTCGGACGATGATGTGTT[G>C]CTTGTCGCGGCGTACGAGGCTGAGCGGCAGTTGTGTCTAGAGAATGGCGGGTTCTGCACC-3'
Protein context (NP_065988.1, residues 47-67): EAQLESDDDV[Leu57Phe]LVAAYEAERQ

ClinVar aggregate classification (germline): Conflicting classifications of pathogenicity. Review status: criteria provided, conflicting classifications (1 of 4 stars). 12 submissions from 12 submitters: Uncertain significance (2); Benign (1); Likely benign (8). 1 of the submissions does not count toward it. Last evaluated 2026-09-01.

Conditions:
Hereditary cancer-predisposing syndrome. Also called: Tumor predisposition; Neoplastic Syndromes, Hereditary; Hereditary neoplastic syndrome; Hereditary Cancer Syndrome. Identifiers: Orphanet 140162, MedGen C0027672, MeSH D009386, MONDO:0015356.
Fanconi anemia (FA). Also called: Fanconi's anemia. Identifiers: Orphanet 84, MedGen C0015625, MeSH D005199, MONDO:0019391.
FANCM-related disorder. Also called: FANCM-related condition.
Spermatogenic failure 28. Identifiers: MedGen C4748117, MONDO:0054732, OMIM 618086.
Premature ovarian failure 15. Identifiers: MedGen C4748170, MONDO:0054862, OMIM 618096.

Allele frequency attached by ClinVar (database versions not stated): 1000 Genomes Project 0.00040; 1000 Genomes Project 30x 0.00062; gnomAD 0.00157 and 0.00161; TOPMed 0.00178; ESP Exome Variant Server 0.00185.
gnomAD v4.1: 3,809 of 1,614,190 alleles (0.24%); highest among the groups gnomAD compares: Non-Finnish European, 0.29%; 9 homozygotes.

Submissions (12):

CeGaT Center for Human Genetics Tuebingen
Classification: Likely benign. Last evaluated: 2026-09-01. Review status: criteria provided, single submitter. Criteria: CeGaT Center For Human Genetics Tuebingen Variant Classification Criteria Version 2. Collection method: clinical testing. Allele origin: germline. Affected: yes. Observed: 16 variant alleles.
Comment: FANCM: BS1

Dasa
Classification: Likely benign. Last evaluated: 2026-02-04. Review status: criteria provided, single submitter. Criteria: DASA Assertion Criteria. Collection method: clinical testing. Allele origin: germline.
Comment: NM_020937.4(FANCM):c.171G>C (p.Leu57Phe) is a missense variant that results in the substitution of leucine with phenylalanine. Multiple computational predictions suggest no deleterious effect on the gene or gene product. The variant is present at low frequency in population datasets. Based on the available data, this variant is classified as likely benign.

Labcorp Genetics (formerly Invitae), Labcorp
Classification: Likely benign for Fanconi anemia. Last evaluated: 2026-02-03. Review status: criteria provided, single submitter. Criteria: Invitae Variant Classification Sherloc (09022015). Collection method: clinical testing. Allele origin: germline.

Quest Diagnostics Nichols Institute San Juan Capistrano
Classification: Likely benign. Last evaluated: 2024-12-31. Review status: criteria provided, single submitter. Criteria: Quest Diagnostics criteria. Collection method: clinical testing. Allele origin: unknown.

Molecular Diagnostics Laboratory, Catalan Institute of Oncology
Classification: Likely benign for Hereditary cancer-predisposing syndrome. Last evaluated: 2024-11-28. Review status: criteria provided, single submitter. Criteria: ACMG Guidelines, 2015. Collection method: clinical testing. Allele origin: germline.
Comment: BS2, BP4_Moderate c.171G>C, located in exon 1 of the FANCM gene, is predicted to result in the substitution of leucine by phenylalanine at codon 57, p.(Leu57Phe). This variant is found in 452/268342 alleles at a frequency of 0.1% in the gnomAD v2.1.1 database, non-cancer dataset. This variant has been observed in homozygous state in multiple healthy individuals in the gnomAD v4 database (BS2). The SpliceAI algorithm predicts no significant impact on splicing. The REVEL meta-predictor score for this variant (0.064) suggests that it does not affect the protein function according to Pejaver 2022 thresholds (PMID: 36413997) (BP4_Moderate). To our knowledge, neither relevant clinical data nor well-established functional studies have been reported for this variant. It has been reported in oncologic and hemato-oncologic patients (PMID:38927643, 29217778,28717660, 26740942). This variant has been reported in the ClinVar database (2x benign, 6x likely benign, 1x uncertain significance) and in LOVD (1x likely benign, 2x uncertain significance). Based on currently available information, the variant c.171G>C should be considered a likely benign variant, according to ACMG/AMP classification guidelines.

Blueprint Genetics
Classification: Likely benign. Last evaluated: 2024-11-26. Review status: criteria provided, single submitter. Criteria: ACMG Guidelines, 2015. Collection method: clinical testing. Allele origin: germline.

Institute for Clinical Genetics, University Hospital TU Dresden, University Hospital TU Dresden
Classification: Uncertain significance. Last evaluated: 2021-11-03. Review status: criteria provided, single submitter. Criteria: ACMG Guidelines, 2015. Collection method: clinical testing. Allele origin: germline.

Sema4
Classification: Likely benign for Hereditary cancer-predisposing syndrome. Last evaluated: 2021-07-30. Review status: criteria provided, single submitter. Criteria: Sema4 Curation Guidelines. Collection method: curation. Allele origin: germline.

GeneDx
Classification: Likely benign. Last evaluated: 2021-06-17. Review status: criteria provided, single submitter. Criteria: GeneDx Variant Classification Process June 2021. Collection method: clinical testing. Allele origin: germline. Affected: yes.
Comment: This variant is associated with the following publications: (PMID: 28881617, 29217778, 28717660, 30426508, 26517685)

Genetic Services Laboratory, University of Chicago
Classification: Benign. Last evaluated: 2021-05-03. Review status: criteria provided, single submitter. Criteria: ACMG Guidelines, 2015. Collection method: clinical testing. Allele origin: germline. Affected: no.

Center for Genomics, Ann and Robert H. Lurie Children's Hospital of Chicago
Classification: Uncertain significance for Premature ovarian failure 15; Spermatogenic failure 28. Review status: criteria provided, single submitter. Criteria: ACMG Guidelines, 2015. Collection method: clinical testing. Allele origin: germline.
Comment: FANCM NM_020937 exon 1 p.Leu57Phe (c.171G>C): This variant has not been reported in the literature but is present in 0.3% (354/126714) of European alleles in the Genome Aggregation Database. Evolutionary conservation and computational predictive tools for this variant are unclear. In summary, data on this variant is insufficient for disease classification. Therefore, the clinical significance of this variant is uncertain.

PreventionGenetics, part of Exact Sciences
Classification: Likely benign for FANCM-related condition. Last evaluated: 2024-08-02. Review status: no assertion criteria provided. Collection method: clinical testing. Allele origin: germline. Not counted in ClinVar's aggregate classification.
Comment: This variant is classified as likely benign based on ACMG/AMP sequence variant interpretation guidelines (Richards et al. 2015 PMID: 25741868, with internal and published modifications).

Literature cited by the submitters: PubMed 26517685 (cited by Quest Diagnostics Nichols Institute San Juan Capistrano); PubMed 30426508 (cited by Quest Diagnostics Nichols Institute San Juan Capistrano); PubMed 29217778 (cited by Quest Diagnostics Nichols Institute San Juan Capistrano); PubMed 28717660 (cited by Quest Diagnostics Nichols Institute San Juan Capistrano); PubMed 34326862 (cited by Quest Diagnostics Nichols Institute San Juan Capistrano); PubMed 38927643 (cited by Quest Diagnostics Nichols Institute San Juan Capistrano).